The following is an entry in ClinVar:

ClinVar aggregate classification (germline): Conflicting classifications of pathogenicity. Review status: criteria provided, conflicting classifications (1 of 4 stars). 4 submissions from 4 submitters: Pathogenic (1); Likely pathogenic (2); Uncertain significance (1). Last evaluated 2025-05-27.

Conditions:
ABCA4-related disorder. Also called: ABCA4-related condition; ABCA4-related disorders. Identifiers: MedGen CN239167.

Allele frequency attached by ClinVar (database versions not stated): gnomAD exomes below 0.00001; TOPMed below 0.00001; gnomAD 0.00001.
gnomAD v4.1: 2 of 1,614,242 alleles (0.00012%); highest among the groups gnomAD compares: Non-Finnish European, 0.000085%; no homozygotes.

Submissions (4):

Labcorp Genetics (formerly Invitae), Labcorp
Classification: Pathogenic. Last evaluated: 2025-05-27. Review status: criteria provided, single submitter. Criteria: Invitae Variant Classification Sherloc (09022015). Collection method: clinical testing. Allele origin: germline.
Comment: This sequence change replaces proline, which is neutral and non-polar, with leucine, which is neutral and non-polar, at codon 62 of the ABCA4 protein (p.Pro62Leu). This variant is not present in population databases (gnomAD no frequency). This missense change has been observed in individual(s) with Stargardt disease (PMID: 37705246, 38219857; internal data). ClinVar contains an entry for this variant (Variation ID: 377400). Invitae Evidence Modeling of protein sequence and biophysical properties (such as structural, functional, and spatial information, amino acid conservation, physicochemical variation, residue mobility, and thermodynamic stability) indicates that this missense variant is expected to disrupt ABCA4 protein function with a positive predictive value of 95%. This variant disrupts the p.Pro62 amino acid residue in ABCA4. Other variant(s) that disrupt this residue have been observed in individuals with ABCA4-related conditions (PMID: 21911583, 32036094; internal data), which suggests that this may be a clinically significant amino acid residue. For these reasons, this variant has been classified as Pathogenic.

PreventionGenetics, part of Exact Sciences
Classification: Likely pathogenic for ABCA4-related condition. Last evaluated: 2025-05-06. Review status: criteria provided, single submitter. Criteria: ACMG Guidelines, 2015. Collection method: clinical testing. Allele origin: germline.
Comment: The ABCA4 c.185C>T variant is predicted to result in the amino acid substitution p.Pro62Leu. This variant has been reported along with additional ABCA4 variants in individuals with retinal disease (Table S11, Corradi et al. 2023. PubMed ID: 37705246; Table S1, Lin et al. 2024. PubMed ID: 38219857; Internal Data, PreventionGenetics). This variant is absent in a large population database (gnomAD), indicating this variant is rare. Alternate substitutions of this amino acid residue (p.Pro62Ala, p.Pro62Ser) have also been reported in individuals with retinal disease (Duno et al. 2012. PubMed ID: 22229821; Table A1, Maggi et al. 2021. PubMed ID: 33546218; Supplementary Table 1, Zernant et al. 2011. PubMed ID: 21911583; Table S5, Rodríguez-Muñoz et al. 2020. PubMed ID: 32036094; Table S2, Del Pozo-Valero et al. 2022. PubMed ID: 35119454). This variant is absent in a large population database (gnomAD), indicating this variant is rare. We classify this variant as likely pathogenic.

Blueprint Genetics
Classification: Likely pathogenic for ABCA4-related disorders. Last evaluated: 2022-09-12. Review status: criteria provided, single submitter. Criteria: ACMG Guidelines, 2015. Collection method: clinical testing. Allele origin: germline. Affected: yes. Observed: 5 variant alleles.

GeneDx
Classification: Uncertain significance. Last evaluated: 2013-06-10. Review status: criteria provided, single submitter. Criteria: GeneDx Variant Classification (06012015). Collection method: clinical testing. Allele origin: germline. Affected: yes.
Comment: The P62L missense change has not been reported as a pathogenic variant or as a benign polymorphism to our knowledge. The P62L amino acid substitution is semi-conservative as Proline and Leucine are both neutral and non-polar residues. However, the loss of a Proline residue with its unique structure may affect the structure of the protein. The residue at which this substitution occurs is well conserved in the ABCR protein. According to the Human Gene Mutation Database, other missense mutations (N58K, G65E, P68R) have been reported in nearby residues (Stenson et al., 2009). A different missense variant at this codon (P62S) has been reported in association with an ABCA4-related disorder (Zernant et al., 2011). The P62L variant was not observed in approximately 6,500 individuals of European and African American ancestry in the NHLBI Exome Sequencing Project, indicating it is not a common benign variant in these populations. Therefore, the P62L missense change is a candidate for a pathogenic variant, although the possibility that it is a benign polymorphism cannot be completely excluded.

Literature cited by the submitters: PubMed 37705246 (cited by Labcorp Genetics (formerly Invitae), Labcorp); PubMed 38219857 (cited by Labcorp Genetics (formerly Invitae), Labcorp); PubMed 21911583 (cited by Labcorp Genetics (formerly Invitae), Labcorp); PubMed 32036094 (cited by Labcorp Genetics (formerly Invitae), Labcorp).

NM_000350.3(ABCA4):c.185C>T (p.Pro62Leu)

Gene: ABCA4 (ATP binding cassette subfamily A member 4; minus strand). Cytogenetic location: 1p22.1.
Variant type: single nucleotide variant.
Coding change: c.185C>T on transcript NM_000350.3 (MANE Select); coding-DNA position 185, C replaced by T.
Protein change: p.Pro62Leu; replaces proline 62 with leucine.
Molecular consequence: missense variant.
Genome position (GRCh38, 1-based): chr1:94,111,555, G>A on the plus strand (C>T on the coding strand, the complement: ABCA4 is on the minus strand). VCF-style: chr1-94111555-G-A. GRCh37 (hg19) VCF-style: chr1-94577111-G-A.
Other names: c.185C>T, p.Pro62Leu (NM_001425324.1); short protein forms P62L.
Identifiers: ClinVar variation 377400 (VCV000377400.13), dbSNP rs1057520211, ClinGen allele CA16603771.